The following is an entry in ClinVar:

NM_003970.4(MYOM2):c.4386G>T (p.Ala1462=)

Gene: MYOM2 (myomesin 2; plus strand). Cytogenetic location: 8p23.3.
Variant type: single nucleotide variant.
Coding change: c.4386G>T on transcript NM_003970.4 (MANE Select); coding-DNA position 4386, G replaced by T.
Protein change: p.Ala1462=; no amino-acid change (alanine 1462 retained).
Molecular consequence: synonymous variant.
Genome position (GRCh38, 1-based): chr8:2,144,969, G>T. VCF-style: chr8-2144969-G-T. GRCh37 (hg19) VCF-style: chr8-2092893-G-T.
Other names: NC_000008.10:g.2092893G>T.
Identifiers: ClinVar variation 3037371 (VCV003037371.3), dbSNP rs144924390, ClinGen allele CA170467347.
Genomic context (GRCh38, chr8:2,144,969, plus strand): 5'-CCCGGACATGGCCCCGCCCCAGCAAGCCAAGCCCAAGCTCATCCCCGCGTCTGCCTCAGC[G>T]GCAGGCCAGTGAAGGCGTTTTCCTAGCCTGGAGATGGGAAAATATGCTTGGCAGAGACAG-3'
Protein context (NP_003961.3, residues 1452-1465): KPKLIPASAS[Ala1462=]AGQ

ClinVar aggregate classification (germline): Benign (0 of 4 stars; one submission).

Conditions:
MYOM2-related disorder. Also called: MYOM2-related condition.

Allele frequency attached by ClinVar (database versions not stated): ESP Exome Variant Server 0.00300; 1000 Genomes Project 0.00559; 1000 Genomes Project 30x 0.00578.
gnomAD v4.1: 1,226 of 1,614,000 alleles (0.076%); highest among the groups gnomAD compares: African/African-American, 1.2%; 6 homozygotes.

Submissions (3):

PreventionGenetics, part of Exact Sciences
Classification: Benign for MYOM2-related condition. Last evaluated: 2019-04-12. Review status: no assertion criteria provided. Collection method: clinical testing. Allele origin: germline.
Comment: This variant is classified as benign based on ACMG/AMP sequence variant interpretation guidelines (Richards et al. 2015 PMID: 25741868, with internal and published modifications).

Dr. Peter K. Rogan Lab, Western University
No classification provided (evidence only). Condition: Clear cell carcinoma of kidney. Review status: no classification provided. Collection method: in vitro. Allele origin: not applicable. Functional consequence: retained intron. Not counted in ClinVar's aggregate classification.

Dr. Peter K. Rogan Lab, Western University
No classification provided (evidence only). Condition: Acute myeloid leukemia. Review status: no classification provided. Collection method: in vitro. Allele origin: not applicable. Functional consequence: retained intron. Not counted in ClinVar's aggregate classification.